The following is an entry in ClinVar:

ClinVar aggregate classification (germline): Benign. Review status: criteria provided, multiple submitters, no conflicts (2 of 4 stars). 2 submissions from 2 submitters: Benign (2). Last evaluated 2018-06-19.

Allele frequency attached by ClinVar (database versions not stated): gnomAD exomes 0.01030; gnomAD 0.05156 and 0.05519; 1000 Genomes Project 0.05611; 1000 Genomes Project 30x 0.05856; TOPMed 0.05901.
gnomAD v4.1: 22,418 of 1,521,056 alleles (1.5%); highest among the groups gnomAD compares: African/African-American, 16%; 1,089 homozygotes.

Submissions (2):

GeneDx
Classification: Benign. Last evaluated: 2018-06-19. Review status: criteria provided, single submitter. Criteria: GeneDx Variant Classification (06012015). Collection method: clinical testing. Allele origin: germline. Affected: yes.
Comment: This variant is considered likely benign or benign based on one or more of the following criteria: it is a conservative change, it occurs at a poorly conserved position in the protein, it is predicted to be benign by multiple in silico algorithms, and/or has population frequency not consistent with disease.

Breakthrough Genomics
Classification: Benign. Review status: criteria provided, single submitter. Criteria: ACMG Guidelines, 2015. Collection method: not provided. Allele origin: germline. Inheritance: Autosomal dominant inheritance. Affected: yes.

NM_003073.5(SMARCB1):c.362+63A>G

Gene: SMARCB1 (SWI/SNF related BAF chromatin remodeling complex subunit B1; plus strand). Cytogenetic location: 22q11.23.
Variant type: single nucleotide variant.
Coding change: c.362+63A>G on transcript NM_003073.5 (MANE Select); 63 bases into the intron after coding-DNA position 362, A replaced by G.
Molecular consequence: intron variant.
Genome position (GRCh38, 1-based): chr22:23,793,751, A>G. VCF-style: chr22-23793751-A-G. GRCh37 (hg19) VCF-style: chr22-24135938-A-G.
Other names: c.362+63A>G (NM_001362877.2); c.335+63A>G (NM_001317946.2, NM_001007468.3).
Identifiers: ClinVar variation 677796 (VCV000677796.2), dbSNP rs6003885, ClinGen allele CA322597015.